The following is an entry in ClinVar:

NM_005732.4(RAD50):c.1007C>G (p.Ser336Cys)

Gene: RAD50 (RAD50 double strand break repair protein; plus strand). Cytogenetic location: 5q31.1.
Variant type: single nucleotide variant.
Coding change: c.1007C>G on transcript NM_005732.4 (MANE Select); coding-DNA position 1007, C replaced by G.
Protein change: p.Ser336Cys; replaces serine 336 with cysteine.
Molecular consequence: missense variant.
Genome position (GRCh38, 1-based): chr5:132,588,045, C>G. VCF-style: chr5-132588045-C-G. GRCh37 (hg19) VCF-style: chr5-131923737-C-G.
Other names: short protein forms S336C.
Identifiers: ClinVar variation 230131 (VCV000230131.13), dbSNP rs771068208, ClinGen allele CA10578509.
Genomic context (GRCh38, chr5:132,588,045, plus strand): 5'-GGGAGAAAGAAAGGAAATTGGTAGACTGTCATCGTGAACTGGAAAAACTAAATAAAGAAT[C>G]TAGGCTTCTCAATCAGGAAAAATCAGAACTGCTTGTTGAACAGGGTAGGACAAAATGTTT-3'
Protein context (NP_005723.2, residues 326-346): HRELEKLNKE[Ser336Cys]RLLNQEKSEL

ClinVar aggregate classification (germline): Conflicting classifications of pathogenicity. Review status: criteria provided, conflicting classifications (1 of 4 stars). 2 submissions from 2 submitters: Uncertain significance (1); Likely benign (1). Last evaluated 2024-01-10.

Conditions:
Hereditary cancer-predisposing syndrome. Also called: Hereditary neoplastic syndrome; Hereditary Cancer Syndrome; Neoplastic Syndromes, Hereditary; Tumor predisposition. Identifiers: Orphanet 140162, MedGen C0027672, MeSH D009386, MONDO:0015356.

Submissions (2):

Ambry Genetics
Classification: Likely benign for Hereditary cancer-predisposing syndrome. Last evaluated: 2024-01-10. Review status: criteria provided, single submitter. Criteria: Ambry Variant Classification Scheme 2023. Collection method: clinical testing. Allele origin: germline.

Labcorp Genetics (formerly Invitae), Labcorp
Classification: Uncertain significance for Hereditary cancer-predisposing syndrome. Last evaluated: 2023-03-19. Review status: criteria provided, single submitter. Criteria: Invitae Variant Classification Sherloc (09022015). Collection method: clinical testing. Allele origin: germline.
Comment: This sequence change replaces serine, which is neutral and polar, with cysteine, which is neutral and slightly polar, at codon 336 of the RAD50 protein (p.Ser336Cys). This variant is not present in population databases (gnomAD no frequency). This variant has not been reported in the literature in individuals affected with RAD50-related conditions. ClinVar contains an entry for this variant (Variation ID: 230131). Advanced modeling of protein sequence and biophysical properties (such as structural, functional, and spatial information, amino acid conservation, physicochemical variation, residue mobility, and thermodynamic stability) performed at Invitae indicates that this missense variant is not expected to disrupt RAD50 protein function. In summary, the available evidence is currently insufficient to determine the role of this variant in disease. Therefore, it has been classified as a Variant of Uncertain Significance.